The following is an entry in ClinVar:

NM_002691.4(POLD1):c.1243-13C>T

Gene: POLD1 (DNA polymerase delta 1, catalytic subunit; plus strand). Cytogenetic location: 19q13.33.
Variant type: single nucleotide variant.
Coding change: c.1243-13C>T on transcript NM_002691.4 (MANE Select); 13 bases into the intron before coding-DNA position 1243, C replaced by T.
Molecular consequence: intron variant.
Genome position (GRCh38, 1-based): chr19:50,406,169, C>T. VCF-style: chr19-50406169-C-T. GRCh37 (hg19) VCF-style: chr19-50909426-C-T.
Other names: c.1243-13C>T (LRG_785t2, LRG_785t1, NM_001256849.1 and 1 more transcripts).
Identifiers: ClinVar variation 386104 (VCV000386104.13), dbSNP rs1057522417, ClinGen allele CA16609016.

ClinVar aggregate classification (germline): Likely benign. Review status: criteria provided, multiple submitters, no conflicts (2 of 4 stars). 3 submissions from 3 submitters: Likely benign (3). Last evaluated 2025-11-11.

Conditions:
POLD1-related polyposis and colorectal cancer syndrome (CRCS10). Also called: Colorectal cancer, susceptibility to, 10; Colorectal cancer 10; COLORECTAL CANCER, SUSCEPTIBILITY TO, ON CHROMOSOME 19q. Identifiers: Orphanet 220460, MedGen C2675481, MONDO:0012953, OMIM 612591.

gnomAD v4.1: 22 of 1,609,908 alleles (0.0014%); highest among the groups gnomAD compares: Non-Finnish European, 0.0019%; no homozygotes.

Submissions (3):

Labcorp Genetics (formerly Invitae), Labcorp
Classification: Likely benign for POLD1-related polyposis and colorectal cancer syndrome. Last evaluated: 2025-11-11. Review status: criteria provided, single submitter. Criteria: Invitae Variant Classification Sherloc (09022015). Collection method: clinical testing. Allele origin: germline.

Myriad Genetics, Inc.
Classification: Likely benign for POLD1-related polyposis and colorectal cancer syndrome. Last evaluated: 2025-02-05. Review status: criteria provided, single submitter. Criteria: Myriad Autosomal Dominant, Autosomal Recessive and X-Linked Classification Criteria (2023). Collection method: clinical testing. Allele origin: unknown.
Comment: This variant is considered likely benign. This variant is intronic and is not expected to impact mRNA splicing.

GeneDx
Classification: Likely benign. Last evaluated: 2020-10-12. Review status: criteria provided, single submitter. Criteria: GeneDx Variant Classification Process June 2021. Collection method: clinical testing. Allele origin: germline. Affected: yes.